The following is an entry in ClinVar:

ClinVar aggregate classification (germline): Uncertain significance. Review status: criteria provided, multiple submitters, no conflicts (2 of 4 stars). 2 submissions from 2 submitters: Uncertain significance (2). Last evaluated 2024-12-12.

Conditions:
Inborn genetic diseases. Identifiers: MedGen C0950123, MeSH D030342.

Allele frequency attached by ClinVar (database versions not stated): gnomAD exomes 0.00001 and 0.00003; TOPMed 0.00002; gnomAD 0.00004 and 0.00005; ExAC 0.00005; ESP Exome Variant Server 0.00015.
gnomAD v4.1: 22 of 1,614,112 alleles (0.0014%); highest among the groups gnomAD compares: Admixed American, 0.005%; no homozygotes.

Submissions (2):

Ambry Genetics
Classification: Uncertain significance for Inborn genetic diseases. Last evaluated: 2024-12-12. Review status: criteria provided, single submitter. Criteria: Ambry Variant Classification Scheme 2023. Collection method: clinical testing. Allele origin: germline.

Labcorp Genetics (formerly Invitae), Labcorp
Classification: Uncertain significance. Last evaluated: 2022-08-09. Review status: criteria provided, single submitter. Criteria: Invitae Variant Classification Sherloc (09022015). Collection method: clinical testing. Allele origin: germline.
Comment: In summary, the available evidence is currently insufficient to determine the role of this variant in disease. Therefore, it has been classified as a Variant of Uncertain Significance. Algorithms developed to predict the effect of missense changes on protein structure and function output the following: SIFT: "Tolerated"; PolyPhen-2: "Benign"; Align-GVGD: "Class C0". The isoleucine amino acid residue is found in multiple mammalian species, which suggests that this missense change does not adversely affect protein function. ClinVar contains an entry for this variant (Variation ID: 1405475). This variant has not been reported in the literature in individuals affected with FLVCR1-related conditions. This variant is present in population databases (rs367576230, gnomAD 0.009%). This sequence change replaces valine, which is neutral and non-polar, with isoleucine, which is neutral and non-polar, at codon 134 of the FLVCR1 protein (p.Val134Ile).

NM_014053.4(FLVCR1):c.400G>A (p.Val134Ile)

Gene: FLVCR1 (FLVCR choline and heme transporter 1; plus strand). Cytogenetic location: 1q32.3.
Variant type: single nucleotide variant.
Coding change: c.400G>A on transcript NM_014053.4 (MANE Select); coding-DNA position 400, G replaced by A.
Protein change: p.Val134Ile; replaces valine 134 with isoleucine.
Molecular consequence: missense variant.
Genome position (GRCh38, 1-based): chr1:212,858,852, G>A. VCF-style: chr1-212858852-G-A. GRCh37 (hg19) VCF-style: chr1-213032194-G-A.
Other names: c.400G>A (NM_014053.3); short protein forms V134I.
Identifiers: ClinVar variation 1405475 (VCV001405475.6), dbSNP rs367576230, ClinGen allele CA1385889.